The following is an entry in ClinVar:

ClinVar aggregate classification (germline): Uncertain significance. Review status: criteria provided, multiple submitters, no conflicts (2 of 4 stars). 3 submissions from 3 submitters: Uncertain significance (3). Last evaluated 2024-02-18.

Conditions:
Hereditary cancer-predisposing syndrome. Also called: Neoplastic Syndromes, Hereditary; Tumor predisposition; Hereditary Cancer Syndrome; Hereditary neoplastic syndrome. Identifiers: Orphanet 140162, MedGen C0027672, MeSH D009386, MONDO:0015356.
Familial adenomatous polyposis 1 (FAP1). Also called: FAMILIAL ADENOMATOUS POLYPOSIS 1, ATTENUATED; POLYPOSIS, ADENOMATOUS INTESTINAL. Identifiers: MedGen C2713442, MONDO:0021056, OMIM 175100. Disease mechanism: loss of function.

gnomAD v4.1: 1 of 1,613,882 alleles (0.000062%); no homozygotes.

Submissions (3):

Ambry Genetics
Classification: Uncertain significance for Hereditary cancer-predisposing syndrome. Last evaluated: 2024-02-18. Review status: criteria provided, single submitter. Criteria: Ambry Variant Classification Scheme 2023. Collection method: clinical testing. Allele origin: germline.
Comment: The p.S2674P variant (also known as c.8020T>C), located in coding exon 15 of the APC gene, results from a T to C substitution at nucleotide position 8020. The serine at codon 2674 is replaced by proline, an amino acid with similar properties. This amino acid position is conserved. In addition, in silico predictors for this gene do not accurately predict pathogenicity. Based on the available evidence, the clinical significance of this alteration remains unclear.

Baylor Genetics
Classification: Uncertain significance for Familial adenomatous polyposis 1. Last evaluated: 2023-08-30. Review status: criteria provided, single submitter. Criteria: ACMG Guidelines, 2015. Collection method: clinical testing. Allele origin: unknown.

Labcorp Genetics (formerly Invitae), Labcorp
Classification: Uncertain significance for Familial adenomatous polyposis 1. Last evaluated: 2023-08-28. Review status: criteria provided, single submitter. Criteria: Invitae Variant Classification Sherloc (09022015). Collection method: clinical testing. Allele origin: germline.
Comment: This sequence change replaces serine, which is neutral and polar, with proline, which is neutral and non-polar, at codon 2674 of the APC protein (p.Ser2674Pro). In summary, the available evidence is currently insufficient to determine the role of this variant in disease. Therefore, it has been classified as a Variant of Uncertain Significance. Advanced modeling of protein sequence and biophysical properties (such as structural, functional, and spatial information, amino acid conservation, physicochemical variation, residue mobility, and thermodynamic stability) performed at Invitae indicates that this missense variant is not expected to disrupt APC protein function. This variant has not been reported in the literature in individuals affected with APC-related conditions. This variant is not present in population databases (gnomAD no frequency).

NM_000038.6(APC):c.8020T>C (p.Ser2674Pro)

Gene: APC (APC regulator of Wnt signaling pathway; plus strand). Cytogenetic location: 5q22.2.
Variant type: single nucleotide variant.
Coding change: c.8020T>C on transcript NM_000038.6 (MANE Select); coding-DNA position 8020, T replaced by C.
Protein change: p.Ser2674Pro; replaces serine 2674 with proline.
Molecular consequence: missense variant. On other transcripts: non-coding transcript variant (2).
Genome position (GRCh38, 1-based): chr5:112,843,614, T>C. VCF-style: chr5-112843614-T-C. GRCh37 (hg19) VCF-style: chr5-112179311-T-C.
Other names: c.8020T>C, p.Ser2674Pro (NM_001127510.3, NM_001354895.2, NM_001407450.1); c.7966T>C, p.Ser2656Pro (NM_001127511.3); c.8074T>C, p.Ser2692Pro (NM_001354896.2, NM_001407447.1, NM_001407448.1 and 1 more transcripts); c.8050T>C, p.Ser2684Pro (NM_001354897.2); c.7945T>C, p.Ser2649Pro (NM_001354898.2); c.7936T>C, p.Ser2646Pro (NM_001354899.2); c.7897T>C, p.Ser2633Pro (NM_001354900.2); c.7843T>C, p.Ser2615Pro (NM_001354901.2, NM_001407453.1); and 12 more; short protein forms S2290P, S2391P, S2514P, S2545P, S2548P, S2573P, S2583P, S2591P.
Identifiers: ClinVar variation 2677396 (VCV002677396.5), dbSNP rs1766624875, ClinGen allele CA16038751.